The following is an entry in ClinVar:

ClinVar aggregate classification (germline): Uncertain significance. Review status: criteria provided, multiple submitters, no conflicts (2 of 4 stars). 4 submissions from 4 submitters: Uncertain significance (3). 1 of the submissions does not count toward it. Last evaluated 2025-10-13.

Conditions:
Retinitis pigmentosa 71 (RP71). Identifiers: Orphanet 791, MedGen C4225342, MONDO:0014618, OMIM 616394.
Short-rib thoracic dysplasia 10 with or without polydactyly (SRTD10). Identifiers: Orphanet 474, MedGen C3810175, MONDO:0014284, OMIM 615630.
IFT172-related disorder. Also called: IFT172-related disorders; IFT172-related condition.
Inborn genetic diseases. Identifiers: MedGen C0950123, MeSH D030342.

Allele frequency attached by ClinVar (database versions not stated): gnomAD exomes below 0.00001 and 0.00001; ExAC 0.00001; gnomAD 0.00001; TOPMed 0.00001.
gnomAD v4.1: 39 of 1,614,158 alleles (0.0024%); highest among the groups gnomAD compares: African/African-American, 0.019%; 1 homozygote.

Submissions (4):

Labcorp Genetics (formerly Invitae), Labcorp
Classification: Uncertain significance for Retinitis pigmentosa 71; Short-rib thoracic dysplasia 10 with or without polydactyly. Last evaluated: 2025-10-13. Review status: criteria provided, single submitter. Criteria: Invitae Variant Classification Sherloc (09022015). Collection method: clinical testing. Allele origin: germline.
Comment: This sequence change replaces methionine, which is neutral and non-polar, with valine, which is neutral and non-polar, at codon 962 of the IFT172 protein (p.Met962Val). This variant is present in population databases (rs541501287, gnomAD 0.007%). This variant has not been reported in the literature in individuals affected with IFT172-related conditions. ClinVar contains an entry for this variant (Variation ID: 1057101). Invitae Evidence Modeling of protein sequence and biophysical properties (such as structural, functional, and spatial information, amino acid conservation, physicochemical variation, residue mobility, and thermodynamic stability) indicates that this missense variant is not expected to disrupt IFT172 protein function with a negative predictive value of 95%. In summary, the available evidence is currently insufficient to determine the role of this variant in disease. Therefore, it has been classified as a Variant of Uncertain Significance.

Blueprint Genetics
Classification: Uncertain significance. Last evaluated: 2021-08-24. Review status: criteria provided, single submitter. Criteria: ACMG Guidelines, 2015. Collection method: clinical testing. Allele origin: germline.

Ambry Genetics
Classification: Uncertain significance for Inborn genetic diseases. Last evaluated: 2021-07-16. Review status: criteria provided, single submitter. Criteria: Ambry Variant Classification Scheme 2023. Collection method: clinical testing. Allele origin: germline.

PreventionGenetics, part of Exact Sciences
Classification: Uncertain significance for IFT172-related condition. Last evaluated: 2024-03-27. Review status: no assertion criteria provided. Collection method: clinical testing. Allele origin: germline. Not counted in ClinVar's aggregate classification.
Comment: The IFT172 c.2884A>G variant is predicted to result in the amino acid substitution p.Met962Val. To our knowledge, this variant has not been reported in the literature. This variant is reported in 0.0062% of alleles in individuals of African descent in gnomAD. At this time, the clinical significance of this variant is uncertain due to the absence of conclusive functional and genetic evidence.

NM_015662.3(IFT172):c.2884A>G (p.Met962Val)

Gene: IFT172 (intraflagellar transport 172; minus strand). Cytogenetic location: 2p23.3.
Variant type: single nucleotide variant.
Coding change: c.2884A>G on transcript NM_015662.3 (MANE Select); coding-DNA position 2884, A replaced by G.
Protein change: p.Met962Val; replaces methionine 962 with valine.
Molecular consequence: missense variant.
Genome position (GRCh38, 1-based): chr2:27,458,217, T>C on the plus strand (A>G on the coding strand, the complement: IFT172 is on the minus strand). VCF-style: chr2-27458217-T-C. GRCh37 (hg19) VCF-style: chr2-27681084-T-C.
Other names: c.2884A>G (NM_015662.2, NM_015662.1); short protein forms M962V.
Identifiers: ClinVar variation 1057101 (VCV001057101.9), dbSNP rs541501287, ClinGen allele CA1580144.